The following is an entry in ClinVar:

NM_001378615.1(CC2D2A):c.3311A>G (p.Glu1104Gly)

Genes: CC2D2A (coiled-coil and C2 domain containing 2A; plus strand), FBXL5 (F-box and leucine rich repeat protein 5; minus strand). Cytogenetic location: 4p15.32.
Variant type: single nucleotide variant.
Coding change: c.3311A>G on transcript NM_001378615.1 (MANE Select); coding-DNA position 3311, A replaced by G.
Protein change: p.Glu1104Gly; replaces glutamic acid 1104 with glycine.
Molecular consequence: missense variant.
Genome position (GRCh38, 1-based): chr4:15,567,699, A>G. VCF-style: chr4-15567699-A-G. GRCh37 (hg19) VCF-style: chr4-15569322-A-G.
Other names: c.3311A>G, p.Glu1104Gly (NM_001080522.2); c.3164A>G, p.Glu1055Gly (NM_001378617.1); short protein forms E1104G, E1055G.
Identifiers: ClinVar variation 1357393 (VCV001357393.8), dbSNP rs2109070607, ClinGen allele CA356418694.

ClinVar aggregate classification (germline): Pathogenic (1 of 4 stars; one submission).

Conditions:
Joubert syndrome. Also called: JOUBERT-BOLTSHAUSER SYNDROME; Familial aplasia of the vermis. Identifiers: Orphanet 475, MedGen C5979921, MONDO:0018772.
Meckel-Gruber syndrome. Also called: DYSENCEPHALIA SPLANCHNOCYSTICA; GRUBER SYNDROME; Dysencephalia splachnocystica. Identifiers: Orphanet 564, MedGen C0265215, MONDO:0018921.

Submission:

Labcorp Genetics (formerly Invitae), Labcorp
Classification: Pathogenic for Joubert syndrome; Meckel-Gruber syndrome. Last evaluated: 2021-04-18. Review status: criteria provided, single submitter. Criteria: Invitae Variant Classification Sherloc (09022015). Collection method: clinical testing. Allele origin: germline.
Comment: This sequence change replaces glutamic acid with glycine at codon 1104 of the CC2D2A protein (p.Glu1104Gly). The glutamic acid residue is highly conserved and there is a moderate physicochemical difference between glutamic acid and glycine. This variant is not present in population databases (ExAC no frequency). This variant has been observed in individual(s) with Joubert syndrome (Invitae). In at least one individual the data is consistent with the variant being in trans (on the opposite chromosome) from a pathogenic variant. Advanced modeling of protein sequence and biophysical properties (such as structural, functional, and spatial information, amino acid conservation, physicochemical variation, residue mobility, and thermodynamic stability) performed at Invitae indicates that this missense variant is expected to disrupt CC2D2A protein function. For these reasons, this variant has been classified as Pathogenic.